The following is an entry in ClinVar:

ClinVar aggregate classification (germline): Benign. Review status: criteria provided, single submitter (1 of 4 stars). 2 submissions from 2 submitters: Benign (1). 1 of the submissions does not count toward it. Last evaluated 2024-08-21.

Conditions:
KATNB1-related disorder. Also called: KATNB1-related condition.

Allele frequency attached by ClinVar (database versions not stated): TOPMed 0.00004; ESP Exome Variant Server 0.00015; gnomAD 0.00020; 1000 Genomes Project 30x 0.00047; 1000 Genomes Project 0.00060; ExAC 0.00068.

Submissions (2):

Labcorp Genetics (formerly Invitae), Labcorp
Classification: Benign. Last evaluated: 2024-08-21. Review status: criteria provided, single submitter. Criteria: Invitae Variant Classification Sherloc (09022015). Collection method: clinical testing. Allele origin: germline.

PreventionGenetics, part of Exact Sciences
Classification: Likely benign for KATNB1-related condition. Last evaluated: 2019-03-14. Review status: no assertion criteria provided. Collection method: clinical testing. Allele origin: germline. Not counted in ClinVar's aggregate classification.
Comment: This variant is classified as likely benign based on ACMG/AMP sequence variant interpretation guidelines (Richards et al. 2015 PMID: 25741868, with internal and published modifications).

NM_005886.3(KATNB1):c.600C>T (p.Asn200=)

Gene: KATNB1 (katanin regulatory subunit B1; plus strand). Cytogenetic location: 16q21.
Variant type: single nucleotide variant.
Coding change: c.600C>T on transcript NM_005886.3 (MANE Select); coding-DNA position 600, C replaced by T.
Protein change: p.Asn200=; no amino-acid change (asparagine 200 retained).
Molecular consequence: synonymous variant.
Genome position (GRCh38, 1-based): chr16:57,752,023, C>T. VCF-style: chr16-57752023-C-T. GRCh37 (hg19) VCF-style: chr16-57785935-C-T.
Identifiers: ClinVar variation 3033359 (VCV003033359.4), dbSNP rs370822732, ClinGen allele CA8080814.